The following continues an entry in ClinVar:

NM_000091.5(COL4A3):c.40_63del (p.Leu14_Leu21del)

ClinVar aggregate classification (germline): Pathogenic. Pathogenic (14).

Submissions 10 to 15 of 15:

Victorian Clinical Genetics Services, Murdoch Childrens Research Institute
Classification: Pathogenic for Autosomal recessive Alport syndrome. Last evaluated: 2023-07-17. Review status: criteria provided, single submitter. Criteria: ACMG Guidelines, 2015. Collection method: clinical testing. Allele origin: germline. Inheritance: Autosomal recessive inheritance. Affected: yes.
Comment: Based on the classification scheme VCGS_Germline_v1.3.4, this variant is classified as Pathogenic. Following criteria are met: 0103 - Dominant negative and loss of function are known mechanisms of disease in this gene and are associated with COL4A3-related nephropathy. Glycine changes that are part of a G-X-Y repeat in the triple helix of a collagen domain are known to have a dominant negative effect (PMID: 12028435). (I) 0108 - This gene is associated with both recessive (Alport syndrome 2 MIM#203780) and dominant disease (Alport syndrome 3 MIM#104200 and benign familial haematuria MIM#141200) (OMIM). (I) 0216 - In-frame insertion/deletion in a non-repetitive region that has low conservation. (SP) 0251 - This variant is heterozygous. (I) 0304 - Variant is present in gnomAD (v2) <0.01 (17 heterozygotes, 0 homozygotes). (SP) 0309 - An alternative, smaller inframe deletion in the same region has been observed in gnomAD (v3) (208 heterozygotes, 0 homozygotes). (I) 0601 - Variant is located in the well-established functional signal peptide. This variant results in the deletion of eight amino acids, resulting in protein mislocalization (PMID: 28570636). (SP) 0801 - This variant has strong previous evidence of pathogenicity in unrelated individuals. This variant has been reported many times as pathogenic and likely pathogenic, and observed in mostly homozygous and compound heterozygous individuals with Alport syndrome, or hearing loss with proteinuria and occular anomalies. Heterozygous individuals may not be clinically affected, or present with microhaematuria (ClinVar, PMID: 28570636, PMID: 23927549). (SP) 1102 - Strong phenotype match for this individual. (I) Legend: (SP) - Supporting pathogenic, (I) - Information, (SB) - Supporting benign

GeneDx
Classification: Pathogenic. Last evaluated: 2022-01-23. Review status: criteria provided, single submitter. Criteria: GeneDx Variant Classification Process June 2021. Collection method: clinical testing. Allele origin: germline. Affected: yes.
Comment: Published with a carrier frequency within the Ashkenazi Jewish population of 1 in 183, and may be a founder variant for Alport syndrome in this population (Webb et al., 2014); Published in vitro studies demonstrate that the deletion alters the COL4A3 signal peptide and changes the subcellular protein localization; variant results in diffuse localization in the cytoplasm and nucleus (Chiereghin et al., 2017); In-frame deletion of 8 amino acids in a non-repeat region; This variant is associated with the following publications: (PMID: 33772369, 12028435, 14582039, 22887978, 23927549, 28570636, 24633401, 29801666)

Women's Health and Genetics/Laboratory Corporation of America, LabCorp
Classification: Pathogenic for Alport syndrome, autosomal recessive. Last evaluated: 2019-06-06. Review status: criteria provided, single submitter. Criteria: LabCorp Variant Classification Summary - May 2015. Collection method: clinical testing. Allele origin: germline.
Comment: Variant summary: COL4A3 c.40_63del24 (p.Leu14_Leu21del) results in an in-frame deletion that is predicted to remove eight amino acids from the COL4A3 signal peptide sequence of the encoded protein. The variant allele was found at a frequency of 0.00022 in 125078 control chromosomes. This frequency is not significantly higher than expected for a pathogenic variant in COL4A3 causing autosomal recessive Alport Syndrome (0.00022 vs 0.002), allowing no conclusion about variant significance. c.40_63del24 has been reported in the literature in multiple individuals affected with autosomal recessive Alport Syndrome worldwide (Zhang_2012, Oka_2014, Webb_2014, Chiereghin_2017). These data indicate that the variant is very likely to be associated with disease. At least one publication reports experimental evidence evaluating an impact on protein function. The most pronounced variant effect results in a disruption of COL4A3 signal peptide, possibly altering protein secretion (Chiereghin_2017). No other clinical diagnostic laboratories have submitted clinical-significance assessments for this variant to ClinVar after 2014. Based on the evidence outlined above, the variant was classified as pathogenic.

Clinical Genetics Service, Universitary Hospital 12 de Octubre
Classification: Pathogenic for Alport syndrome 3b, autosomal recessive. Review status: criteria provided, single submitter. Criteria: ACMG Guidelines, 2015. Collection method: clinical testing. Allele origin: germline. Affected: yes.

Juno Genomics, Hangzhou Juno Genomics, Inc
Classification: Pathogenic for Autosomal dominant Alport syndrome; Alport syndrome 3b, autosomal recessive; Hematuria, benign familial, 2. Review status: criteria provided, single submitter. Criteria: ACMG Guidelines, 2015. Collection method: clinical testing. Allele origin: germline. Affected: yes.
Comment: Absent from controls (or at extremely low frequency if recessive) in Genome Aggregation Database.;Protein length changes due to in-frame deletions/insertions in a non-repeat region or stop-loss variants.;For recessive disorders, detected in trans with a pathogenic variant.

OMIM
Classification: Pathogenic for ALPORT SYNDROME 2, AUTOSOMAL RECESSIVE. Last evaluated: 2014-08-01. Review status: no assertion criteria provided. Collection method: literature only. Allele origin: germline. Not counted in ClinVar's aggregate classification.

Literature cited by the submitters: PubMed 23927549 (cited by 7 submitters); PubMed 28570636 (cited by 7 submitters); PubMed 12028435 (cited by 3 submitters); PubMed 22887978 (cited by 4 submitters); PubMed 36239278 (cited by Natera, Inc.); PubMed 35369551 (cited by Natera, Inc.); PubMed 29801666 (cited by Natera, Inc.); PubMed 14582039 (cited by Natera, Inc. and Myriad Genetics, Inc.); PubMed 24633401 (cited by 3 submitters); PubMed 26940125 (cited by Myriad Genetics, Inc.).